The following is an entry in ClinVar:

ClinVar aggregate classification (germline): Benign (1 of 4 stars; one submission).

Allele frequency attached by ClinVar (database versions not stated): 1000 Genomes Project 30x 0.12508; 1000 Genomes Project 0.12520; gnomAD exomes 0.13616; gnomAD 0.15069 and 0.15431; TOPMed 0.15164.
gnomAD v4.1: 108,578 of 780,340 alleles (14%); highest among the groups gnomAD compares: African/African-American, 19%; 8,131 homozygotes.

Submission:

GeneDx
Classification: Benign. Last evaluated: 2018-06-16. Review status: criteria provided, single submitter. Criteria: GeneDx Variant Classification (06012015). Collection method: clinical testing. Allele origin: germline. Affected: yes.
Comment: This variant is considered likely benign or benign based on one or more of the following criteria: it is a conservative change, it occurs at a poorly conserved position in the protein, it is predicted to be benign by multiple in silico algorithms, and/or has population frequency not consistent with disease.

NM_004999.4(MYO6):c.2417-87C>A

Gene: MYO6 (myosin VI; plus strand). Cytogenetic location: 6q14.1.
Variant type: single nucleotide variant.
Coding change: c.2417-87C>A on transcript NM_004999.4 (MANE Select); 87 bases into the intron before coding-DNA position 2417, C replaced by A.
Molecular consequence: intron variant.
Genome position (GRCh38, 1-based): chr6:75,885,917, C>A. VCF-style: chr6-75885917-C-A. GRCh37 (hg19) VCF-style: chr6-76595634-C-A.
Other names: c.2417-87C>A (NM_001368865.1, NM_001368866.1, NM_001368137.1 and 2 more transcripts); c.2402-87C>A (NM_001368138.1).
Identifiers: ClinVar variation 674705 (VCV000674705.1), dbSNP rs13211391, ClinGen allele CA12299043.